The following is an entry in ClinVar:

ClinVar aggregate classification (germline): Pathogenic. Review status: criteria provided, single submitter (1 of 4 stars). 3 submissions from 3 submitters: Pathogenic (1). 2 of the submissions do not count toward it. Last evaluated 2023-12-10.

Conditions:
Neuronal ceroid lipofuscinosis 2. Also called: TPP1-Related Neuronal Ceroid-Lipofuscinosis; JANSKY-BIELSCHOWSKY DISEASE NEURONAL CEROID LIPOFUSCINOSIS, LATE INFANTILE. Identifiers: Orphanet 168491, Orphanet 228349, Orphanet 79264, MedGen C1876161, MONDO:0008769, OMIM 204500.

Allele frequency attached by ClinVar (database versions not stated): gnomAD exomes below 0.00001 and 0.00001; gnomAD 0.00001.

Submissions (3):

Labcorp Genetics (formerly Invitae), Labcorp
Classification: Pathogenic. Last evaluated: 2023-12-10. Review status: criteria provided, single submitter. Criteria: Invitae Variant Classification Sherloc (09022015). Collection method: clinical testing. Allele origin: germline.
Comment: This sequence change results in a frameshift in the TPP1 gene (p.Glu532Argfs*76). While this is not anticipated to result in nonsense mediated decay, it is expected to disrupt the last 32 amino acid(s) of the TPP1 protein and extend the protein by 43 additional amino acid residues. This variant is present in population databases (no rsID available, gnomAD 0.002%). This variant has not been reported in the literature in individuals affected with TPP1-related conditions. ClinVar contains an entry for this variant (Variation ID: 545031). Algorithms developed to predict the effect of sequence changes on RNA splicing suggest that this variant may create or strengthen a splice site. This variant disrupts a region of the TPP1 protein in which other variant(s) (p.Trp542*) have been determined to be pathogenic (PMID: 31283065; Invitae). This suggests that this is a clinically significant region of the protein, and that variants that disrupt it are likely to be disease-causing. For these reasons, this variant has been classified as Pathogenic.

Natera, Inc.
Classification: Pathogenic for Neuronal ceroid lipofuscinosis 2. Last evaluated: 2020-06-10. Review status: no assertion criteria provided. Collection method: clinical testing. Allele origin: germline. Not counted in ClinVar's aggregate classification.

Laboratory of Molecular Genetics (Pr. Bezieau's lab), CHU de Nantes
Classification: Likely pathogenic. Last evaluated: 2016-06-01. Review status: no assertion criteria provided. Collection method: clinical testing. Allele origin: germline. Affected: yes. Not counted in ClinVar's aggregate classification.

Literature cited by the submitters: PubMed 31283065 (cited by Labcorp Genetics (formerly Invitae), Labcorp).

NM_000391.4(TPP1):c.1593dup (p.Glu532fs)

Gene: TPP1 (tripeptidyl peptidase 1; minus strand). Cytogenetic location: 11p15.4.
Variant type: Duplication.
Coding change: c.1593dup on transcript NM_000391.4 (MANE Select); coding-DNA position 1593, one base duplicated (A; older notation c.1593dupA).
Protein change: p.Glu532fs; shifts the reading frame from glutamic acid 532.
Molecular consequence: frameshift variant.
Genome position (GRCh38, 1-based): chr11:6,614,645, T duplicated on the plus strand (A on the coding strand, the reverse complement: TPP1 is on the minus strand). VCF-style (leftmost placement, unchanged base first): chr11-6614644-C-CT. GRCh37 (hg19) VCF-style: chr11-6635875-C-CT.
Other names: short protein forms E532fs.
Identifiers: ClinVar variation 545031 (VCV000545031.12), dbSNP rs1216139602, ClinGen allele CA597274054.
Genomic context (GRCh38, chr11:6,614,644, plus strand): 5'-TGGGTGTTCCCCAGCCTGTTACAGGATCCCAGCCAGGACCAGAGCAGAAACCCTGGCCCT[C>CT]TACCTCTTCATCCAGACAGGACTCATGGCAGCCACGGGTTACCTAGGGAGGAGGCTGGCA-3'